The following is an entry in ClinVar:

ClinVar aggregate classification (germline): Uncertain significance (1 of 4 stars; one submission).

Conditions:
Developmental delay and seizures with or without movement abnormalities. Identifiers: MedGen C4693376, MONDO:0044326, OMIM 617836.

Allele frequency attached by ClinVar (database versions not stated): gnomAD exomes below 0.00001.
gnomAD v4.1: 1 of 1,613,350 alleles (0.000062%); highest among the groups gnomAD compares: Middle Eastern, 0.017%; no homozygotes.

Submission:

Institute of Human Genetics, University of Leipzig Medical Center
Classification: Uncertain significance for Developmental delay and seizures with or without movement abnormalities. Last evaluated: 2020-10-26. Review status: criteria provided, single submitter. Criteria: ACMG Guidelines, 2015. Collection method: clinical testing. Allele origin: unknown. Inheritance: Autosomal dominant inheritance. Affected: yes.
Comment: Criteria applied: PM2,PP3

NM_205861.3(DHDDS):c.542+1G>A

Gene: DHDDS (dehydrodolichyl diphosphate synthase subunit; plus strand). Cytogenetic location: 1p36.11.
Variant type: single nucleotide variant.
Coding change: c.542+1G>A on transcript NM_205861.3 (MANE Select); the canonical splice donor site of the intron after coding-DNA position 542, G replaced by A.
Molecular consequence: splice donor variant. On other transcripts: intron variant (1).
Genome position (GRCh38, 1-based): chr1:26,447,661, G>A. VCF-style: chr1-26447661-G-A. GRCh37 (hg19) VCF-style: chr1-26774152-G-A.
Other names: c.263+1G>A (NM_001319959.2); c.542+1G>A (NM_024887.4); c.440+1229G>A (NM_001243564.2); c.425+1G>A (NM_001243565.2).
Identifiers: ClinVar variation 1285422 (VCV001285422.3), dbSNP rs2124433764, ClinGen allele CA339143504.